The following is an entry in ClinVar:

NM_006946.4(SPTBN2):c.1256G>A (p.Arg419His)

Gene: SPTBN2 (spectrin beta, non-erythrocytic 2; minus strand). Cytogenetic location: 11q13.2.
Variant type: single nucleotide variant.
Coding change: c.1256G>A on transcript NM_006946.4 (MANE Select); coding-DNA position 1256, G replaced by A.
Protein change: p.Arg419His; replaces arginine 419 with histidine.
Molecular consequence: missense variant.
Genome position (GRCh38, 1-based): chr11:66,708,235, C>T on the plus strand (G>A on the coding strand, the complement: SPTBN2 is on the minus strand). VCF-style: chr11-66708235-C-T. GRCh37 (hg19) VCF-style: chr11-66475706-C-T.
Other names: c.1277G>A, p.Arg426His (NM_001411025.1); short protein forms R419H, R426H.
Identifiers: ClinVar variation 3571914 (VCV003571914.1).

ClinVar aggregate classification (germline): Uncertain significance (1 of 4 stars; one submission).

gnomAD v4.1: 4 of 1,610,574 alleles (0.00025%); highest among the groups gnomAD compares: African/African-American, 0.0013%; no homozygotes.

Submission:

Athena Diagnostics
Classification: Uncertain significance. Last evaluated: 2023-12-29. Review status: criteria provided, single submitter. Criteria: Athena Diagnostics Criteria. Collection method: clinical testing. Allele origin: unknown.
Comment: Available data are insufficient to determine the clinical significance of the variant at this time. The frequency of this variant in the general population is uninformative in assessment of its pathogenicity. Computational tools disagree on the variant's effect on normal protein function.